The following is an entry in ClinVar:

NM_000760.4(CSF3R):c.2480T>C (p.Val827Ala)

Gene: CSF3R (colony stimulating factor 3 receptor; minus strand). Cytogenetic location: 1p34.3.
Variant type: single nucleotide variant.
Coding change: c.2480T>C on transcript NM_000760.4 (MANE Select); coding-DNA position 2480, T replaced by C.
Protein change: p.Val827Ala; replaces valine 827 with alanine.
Molecular consequence: missense variant. On other transcripts: intron variant (1).
Genome position (GRCh38, 1-based): chr1:36,466,388, A>G on the plus strand (T>C on the coding strand, the complement: CSF3R is on the minus strand). VCF-style: chr1-36466388-A-G. GRCh37 (hg19) VCF-style: chr1-36931989-A-G.
Other names: c.2561T>C, p.Val854Ala (NM_156039.3); c.2248-188T>C (NM_172313.3); short protein forms V827A, V854A.
Identifiers: ClinVar variation 3707163 (VCV003707163.2).
Genomic context (GRCh38, chr1:36,466,388, plus strand): 5'-CAGGCCCAAGAAGGGAACCCCAGGAAGCCCTAGAAGCTCCCCAGCGCCTCCATCCCATGG[A>G]CCCGGATCCCCTGCAGGAGGGGGAAGTTGAGCAGTGGCCCAAAGACACAGTCGTCCTCCT-3'
Protein context (NP_000751.1, residues 817-836): LNFPLLQGIR[Val827Ala]HGMEALGSF

ClinVar aggregate classification (germline): Uncertain significance (1 of 4 stars; one submission).

Conditions:
Autosomal recessive severe congenital neutropenia due to CSF3R deficiency. Also called: Neutropenia, severe congenital, 7, autosomal recessive. Identifiers: Orphanet 420702, MedGen C4310764, MONDO:0014865, OMIM 617014.

Submission:

Labcorp Genetics (formerly Invitae), Labcorp
Classification: Uncertain significance for Autosomal recessive severe congenital neutropenia due to CSF3R deficiency. Last evaluated: 2025-11-03. Review status: criteria provided, single submitter. Criteria: Invitae Variant Classification Sherloc (09022015). Collection method: clinical testing. Allele origin: germline.
Comment: This sequence change replaces valine, which is neutral and non-polar, with alanine, which is neutral and non-polar, at codon 827 of the CSF3R protein (p.Val827Ala). This variant is not present in population databases (gnomAD no frequency). This variant has not been reported in the literature in individuals affected with CSF3R-related conditions. ClinVar contains an entry for this variant (Variation ID: 3707163). An algorithm developed to predict the effect of missense changes on protein structure and function (PolyPhen-2) suggests that this variant is likely to be disruptive. In summary, the available evidence is currently insufficient to determine the role of this variant in disease. Therefore, it has been classified as a Variant of Uncertain Significance.